The following is an entry in ClinVar:

NM_024580.6(EFL1):c.245-12A>G

Gene: EFL1 (elongation factor like GTPase 1; minus strand). Cytogenetic location: 15q25.2.
Variant type: single nucleotide variant.
Coding change: c.245-12A>G on transcript NM_024580.6 (MANE Select); 12 bases into the intron before coding-DNA position 245, A replaced by G.
Molecular consequence: intron variant.
Genome position (GRCh38, 1-based): chr15:82,241,415, T>C on the plus strand (A>G on the coding strand, the complement: EFL1 is on the minus strand). VCF-style: chr15-82241415-T-C. GRCh37 (hg19) VCF-style: chr15-82533756-T-C.
Other names: NR_136410.2:n.385-12A>G; c.92-12A>G (NM_001040610.3); c.-545-12A>G (NM_001322844.2); c.245-12A>G (NM_001322845.2).
Identifiers: ClinVar variation 3776986 (VCV003776986.1).

ClinVar aggregate classification (germline): Uncertain significance (1 of 4 stars; one submission).

Conditions:
Shwachman syndrome. Also called: Shwachman-Diamond Syndrome; PANCREATIC INSUFFICIENCY AND BONE MARROW DYSFUNCTION; SHWACHMAN-BODIAN SYNDROME. Identifiers: Orphanet 811, MedGen C0272170, MONDO:0009833.

gnomAD v4.1: 5 of 1,610,246 alleles (0.00031%); highest among the groups gnomAD compares: East Asian, 0.0022%; no homozygotes.

Submission:

Broad Center for Mendelian Genomics, Broad Institute of MIT and Harvard
Classification: Uncertain significance for Shwachman syndrome. Last evaluated: 2025-01-10. Review status: criteria provided, single submitter. Criteria: ACMG Guidelines, 2015. Collection method: curation. Allele origin: germline. Inheritance: Autosomal recessive inheritance.
Comment: The c.245-12A>G variant in EFL1 has been reported, in the compound heterozygous state, in 1 individual with Shwachman-Diamond syndrome (O'Shea 2023), and has been identified in 0.002% (1/44802) of East Asian chromosomes by the Genome Aggregation Database (gnomAD; dbSNP rs772252080). Although this variant has been seen in the general population in a heterozygous state, its frequency is low enough to be consistent with a recessive carrier frequency. Computational prediction tools and conservation analyses suggest that this variant may impact the protein, though this information is not predictive enough to determine pathogenicity. Furthermore, although this gene has been reported in association with Shwachman-Diamond syndrome, it currently has moderate evidence for these associations. In summary, the clinical significance of the c.245-12A>G variant is uncertain.